The following is an entry in ClinVar:

NM_022455.5(NSD1):c.890G>C (p.Gly297Ala)

Gene: NSD1 (nuclear receptor binding SET domain protein 1; plus strand). Cytogenetic location: 5q35.3.
Variant type: single nucleotide variant.
Coding change: c.890G>C on transcript NM_022455.5 (MANE Select); coding-DNA position 890, G replaced by C.
Protein change: p.Gly297Ala; replaces glycine 297 with alanine.
Molecular consequence: missense variant.
Genome position (GRCh38, 1-based): chr5:177,135,993, G>C. VCF-style: chr5-177135993-G-C. GRCh37 (hg19) VCF-style: chr5-176562994-G-C.
Other names: c.17G>C, p.Gly6Ala (NM_001365684.2, NM_001409305.1, NM_001409306.1 and 4 more transcripts); c.890G>C, p.Gly297Ala (NM_001409301.1, NM_001409302.1, NM_001409303.1); c.470G>C, p.Gly157Ala (NM_001409304.1); short protein forms G28A, G297A, G6A, G157A.
Identifiers: ClinVar variation 1500249 (VCV001500249.8), dbSNP rs1709968423, ClinGen allele CA362296336.
Genomic context (GRCh38, chr5:177,135,993, plus strand): 5'-CTTTTCAGGATGATCCAGATTCCAGTACCAGTACATTAGGAAACATGCTAGAATTACCTG[G>C]AACTTCATCATCATCTACTTCACAGGAATTGCCATTTGTAAGCAGTTTTTGGTACAACTT-3'
Protein context (NP_071900.2, residues 287-307): STLGNMLELP[Gly297Ala]TSSSSTSQEL

ClinVar aggregate classification (germline): Uncertain significance (1 of 4 stars; one submission).

Allele frequency attached by ClinVar (database versions not stated): TOPMed below 0.00001.

Submission:

Labcorp Genetics (formerly Invitae), Labcorp
Classification: Uncertain significance. Last evaluated: 2021-02-01. Review status: criteria provided, single submitter. Criteria: Invitae Variant Classification Sherloc (09022015). Collection method: clinical testing. Allele origin: germline.
Comment: In summary, the available evidence is currently insufficient to determine the role of this variant in disease. Therefore, it has been classified as a Variant of Uncertain Significance. Advanced modeling of protein sequence and biophysical properties (such as structural, functional, and spatial information, amino acid conservation, physicochemical variation, residue mobility, and thermodynamic stability) performed at Invitae indicates that this missense variant is not expected to disrupt NSD1 protein function. This variant has not been reported in the literature in individuals with NSD1-related conditions. This variant is not present in population databases (ExAC no frequency). This sequence change replaces glycine with alanine at codon 297 of the NSD1 protein (p.Gly297Ala). The glycine residue is weakly conserved and there is a small physicochemical difference between glycine and alanine.